The following is an entry in ClinVar:

NM_006312.6(NCOR2):c.3453G>T (p.Gly1151=)

Gene: NCOR2 (nuclear receptor corepressor 2; minus strand). Cytogenetic location: 12q24.31.
Variant type: single nucleotide variant.
Coding change: c.3453G>T on transcript NM_006312.6 (MANE Select); coding-DNA position 3453, G replaced by T.
Protein change: p.Gly1151=; no amino-acid change (glycine 1151 retained).
Molecular consequence: synonymous variant.
Genome position (GRCh38, 1-based): chr12:124,354,868, C>A on the plus strand (G>T on the coding strand, the complement: NCOR2 is on the minus strand). VCF-style: chr12-124354868-C-A. GRCh37 (hg19) VCF-style: chr12-124839414-C-A.
Other names: c.3423G>T, p.Gly1141= (NM_001077261.4, NM_001206654.2).
Identifiers: ClinVar variation 3042889 (VCV003042889.2), dbSNP rs61746414, ClinGen allele CA6868662.

ClinVar aggregate classification (germline): Likely benign (0 of 4 stars; one submission).

Conditions:
NCOR2-related disorder. Also called: NCOR2-related condition.

Allele frequency attached by ClinVar (database versions not stated): gnomAD 0.00084; TOPMed 0.00096; ESP Exome Variant Server 0.00098; ExAC 0.00100.
gnomAD v4.1: 1,559 of 1,612,700 alleles (0.097%); highest among the groups gnomAD compares: Non-Finnish European, 0.12%; 1 homozygote.

Submission:

PreventionGenetics, part of Exact Sciences
Classification: Likely benign for NCOR2-related condition. Last evaluated: 2019-06-21. Review status: no assertion criteria provided. Collection method: clinical testing. Allele origin: germline.
Comment: This variant is classified as likely benign based on ACMG/AMP sequence variant interpretation guidelines (Richards et al. 2015 PMID: 25741868, with internal and published modifications).